The following is an entry in ClinVar:

ClinVar aggregate classification (germline): Benign/Likely benign. Review status: criteria provided, multiple submitters, no conflicts (2 of 4 stars). 7 submissions from 7 submitters: Benign (4); Likely benign (2). 1 of the submissions does not count toward it. Last evaluated 2026-04-06.

Conditions:
Autoinflammatory syndrome. Identifiers: Orphanet 93665, MedGen C3890737, MONDO:0019751.
STING1-related disorder. Also called: STING1-related condition.
STING-associated vasculopathy with onset in infancy. Also called: Sting-associated vasculopathy, infantile-onset. Identifiers: Orphanet 425120, MedGen C4014722, MONDO:0014405, OMIM 615934.

Allele frequency attached by ClinVar (database versions not stated): gnomAD exomes 0.00058 and 0.00124; ExAC 0.00138; gnomAD 0.00349 and 0.00363; TOPMed 0.00392; ESP Exome Variant Server 0.00438; 1000 Genomes Project 0.00479; 1000 Genomes Project 30x 0.00547.
gnomAD v4.1: 1,453 of 1,614,222 alleles (0.09%); highest among the groups gnomAD compares: African/African-American, 1.2%; 17 homozygotes.

Submissions (7):

Women's Health and Genetics/Laboratory Corporation of America, LabCorp
Classification: Likely benign. Last evaluated: 2026-04-06. Review status: criteria provided, single submitter. Criteria: LabCorp Variant Classification Summary - May 2015. Collection method: clinical testing. Allele origin: germline.

Labcorp Genetics (formerly Invitae), Labcorp
Classification: Benign for STING-associated vasculopathy with onset in infancy. Last evaluated: 2026-02-03. Review status: criteria provided, single submitter. Criteria: Invitae Variant Classification Sherloc (09022015). Collection method: clinical testing. Allele origin: germline.

Mayo Clinic Laboratories, Mayo Clinic
Classification: Benign. Last evaluated: 2025-01-07. Review status: criteria provided, single submitter. Criteria: ACMG Guidelines, 2015. Collection method: clinical testing. Allele origin: germline. Observed: 2 variant alleles.
Comment: BS1, BS2, BP4_moderate

CeGaT Center for Human Genetics Tuebingen
Classification: Benign. Last evaluated: 2025-01-01. Review status: criteria provided, single submitter. Criteria: CeGaT Center For Human Genetics Tuebingen Variant Classification Criteria Version 2. Collection method: clinical testing. Allele origin: germline. Affected: yes. Observed: 7 variant alleles.
Comment: STING1: BP4, BS1, BS2

Blueprint Genetics
Classification: Likely benign. Last evaluated: 2024-11-26. Review status: criteria provided, single submitter. Criteria: ACMG Guidelines, 2015. Collection method: clinical testing. Allele origin: germline.

Genome Diagnostics Laboratory, The Hospital for Sick Children
Classification: Benign for Autoinflammatory syndrome. Last evaluated: 2021-04-05. Review status: criteria provided, single submitter. Criteria: ACMG Guidelines, 2015. Collection method: clinical testing. Allele origin: germline. Affected: yes.

PreventionGenetics, part of Exact Sciences
Classification: Benign for STING1-related condition. Last evaluated: 2024-01-29. Review status: no assertion criteria provided. Collection method: clinical testing. Allele origin: germline. Not counted in ClinVar's aggregate classification.
Comment: This variant is classified as benign based on ACMG/AMP sequence variant interpretation guidelines (Richards et al. 2015 PMID: 25741868, with internal and published modifications).

Literature cited by the submitters: PubMed 38046254 (cited by Mayo Clinic Laboratories, Mayo Clinic).

NM_198282.4(STING1):c.580G>T (p.Val194Leu)

Gene: STING1 (stimulator of interferon response cGAMP interactor 1; minus strand). Cytogenetic location: 5q31.2.
Variant type: single nucleotide variant.
Coding change: c.580G>T on transcript NM_198282.4 (MANE Select); coding-DNA position 580, G replaced by T.
Protein change: p.Val194Leu; replaces valine 194 with leucine.
Molecular consequence: missense variant.
Genome position (GRCh38, 1-based): chr5:139,478,449, C>A on the plus strand (G>T on the coding strand, the complement: STING1 is on the minus strand). VCF-style: chr5-139478449-C-A. GRCh37 (hg19) VCF-style: chr5-138858034-C-A.
Other names: p.Val194Leu; c.580G>T, p.Val194Leu (NM_001301738.2, LRG_1308t1); c.223G>T, p.Val75Leu (NM_001367258.1); short protein forms V194L, V75L.
Identifiers: ClinVar variation 475209 (VCV000475209.43), dbSNP rs114834699, ClinGen allele CA3435364.
Genomic context (GRCh38, chr5:139,478,449, plus strand): 5'-TACTCAGGTTATCAGGCACCCCACAGTCCAATGGGAGGAGAATATACAGCCGCTGGCTCA[C>A]TGCACCCCGTAGCAGGTTGTTGTAATGCTGATTGTAAGTTCGAATCCGGGCCTGGAGCTC-3'
Protein context (NP_938023.1, residues 184-204): QHYNNLLRGA[Val194Leu]SQRLYILLPL